The following is an entry in ClinVar:

ClinVar aggregate classification (germline): Likely benign (1 of 4 stars; one submission).

Allele frequency attached by ClinVar (database versions not stated): 1000 Genomes Project 30x 0.00016; 1000 Genomes Project 0.00020; TOPMed 0.00069; gnomAD 0.00079; ExAC 0.00092.
gnomAD v4.1: 1,195 of 1,296,270 alleles (0.092%); highest among the groups gnomAD compares: Non-Finnish European, 0.12%; 6 homozygotes.

Submission:

CeGaT Center for Human Genetics Tuebingen
Classification: Likely benign. Last evaluated: 2025-10-01. Review status: criteria provided, single submitter. Criteria: CeGaT Center For Human Genetics Tuebingen Variant Classification Criteria Version 2. Collection method: clinical testing. Allele origin: germline. Affected: yes. Observed: 3 variant alleles.
Comment: NBPF10: BS2

NM_001302371.3(NBPF10):c.1928C>G (p.Pro643Arg)

Gene: NBPF10 (NBPF member 10; minus strand). Cytogenetic location: 1q21.1.
Variant type: single nucleotide variant.
Coding change: c.1928C>G on transcript NM_001302371.3 (MANE Select); coding-DNA position 1928, C replaced by G.
Protein change: p.Pro643Arg; replaces proline 643 with arginine.
Molecular consequence: missense variant.
Genome position (GRCh38, 1-based): chr1:146,126,334, G>C on the plus strand (C>G on the coding strand, the complement: NBPF10 is on the minus strand). VCF-style: chr1-146126334-G-C. GRCh37 (hg19) VCF-style: chr1-145311860-C-G.
Other names: c.1928C>G, p.Pro643Arg (NM_001039703.6); short protein forms P643R.
Identifiers: ClinVar variation 2639090 (VCV002639090.24), dbSNP rs587689248, ClinGen allele CA1052019.
Genomic context (GRCh38, chr1:146,126,334, plus strand): 5'-AATATGTAAAAGGCACTTCTGTAGGGCTGGCATGAGTCAGTCAGTTCAAGACAACCTGAA[G>C]GAGTTGAATAACATCTATCCTGTGAGTCCTGCAAGACTTCAGGCCCTTTCTCATCCAGCA-3'
Protein context (NP_001289300.1, residues 633-653): QDSQDRCYST[Pro643Arg]SGCLELTDSC